The following is an entry in ClinVar:

NM_004448.4(ERBB2):c.43C>T (p.Leu15Phe)

Gene: ERBB2 (erb-b2 receptor tyrosine kinase 2; plus strand). Cytogenetic location: 17q12.
Variant type: single nucleotide variant.
Coding change: c.43C>T on transcript NM_004448.4 (MANE Select); coding-DNA position 43, C replaced by T.
Protein change: p.Leu15Phe; replaces leucine 15 with phenylalanine.
Molecular consequence: missense variant. On other transcripts: 5 prime UTR variant (1), non-coding transcript variant (1), intron variant (4).
Genome position (GRCh38, 1-based): chr17:39,700,281, C>T. VCF-style: chr17-39700281-C-T. GRCh37 (hg19) VCF-style: chr17-37856534-C-T.
Other names: c.43C>T, p.Leu15Phe (NM_001289937.2, NM_001382784.1, NM_001382785.1 and 21 more transcripts); c.-173C>T (NM_001382783.1); c.-18+5100C>T (NM_001382782.1, NM_001005862.3, NM_001289938.2); c.28+694C>T (NM_001289936.2); short protein forms L15F.
Identifiers: ClinVar variation 134067 (VCV000134067.10), dbSNP rs193171026, ClinGen allele CA158544.
Genomic context (GRCh38, chr17:39,700,281, plus strand): 5'-GGAGCCGCAGTGAGCACCATGGAGCTGGCGGCCTTGTGCCGCTGGGGGCTCCTCCTCGCC[C>T]TCTTGCCCCCCGGAGCCGCGAGCACCCAAGGTGGGTCTGGTGTGGGGAGGGGACGGAGCA-3'
Protein context (NP_004439.2, residues 5-25): ALCRWGLLLA[Leu15Phe]LPPGAASTQV

ClinVar aggregate classification (germline): Likely benign. Review status: criteria provided, single submitter (1 of 4 stars). 2 submissions from 2 submitters: Likely benign (1). 1 of the submissions does not count toward it. Last evaluated 2025-05-12.

Allele frequency attached by ClinVar (database versions not stated): 1000 Genomes Project 0.00040; TOPMed 0.00041; 1000 Genomes Project 30x 0.00047; gnomAD 0.00053 and 0.00055; gnomAD exomes 0.00078; ExAC 0.00244.
gnomAD v4.1: 820 of 1,432,762 alleles (0.057%); highest among the groups gnomAD compares: South Asian, 0.16%; 3 homozygotes.

Submissions (2):

Labcorp Genetics (formerly Invitae), Labcorp
Classification: Likely benign. Last evaluated: 2025-05-12. Review status: criteria provided, single submitter. Criteria: Invitae Variant Classification Sherloc (09022015). Collection method: clinical testing. Allele origin: germline.

ITMI
No classification provided. Condition: AllHighlyPenetrant. Last evaluated: 2013-09-19. Review status: no classification provided. Collection method: reference population. Allele origin: germline. Not counted in ClinVar's aggregate classification.
Comment: Please see associated publication for description of ethnicities

Literature cited by the submitters: PubMed 24728327 (cited by ITMI).